The following is an entry in ClinVar:

ClinVar aggregate classification (germline): Conflicting classifications of pathogenicity. Review status: criteria provided, conflicting classifications (1 of 4 stars). 9 submissions from 9 submitters: Uncertain significance (5); Likely benign (1). 3 of the submissions do not count toward it. Last evaluated 2026-01-25.

Conditions:
Hereditary cancer-predisposing syndrome. Also called: Hereditary neoplastic syndrome; Hereditary Cancer Syndrome; Neoplastic Syndromes, Hereditary; Tumor predisposition. Identifiers: Orphanet 140162, MedGen C0027672, MeSH D009386, MONDO:0015356.
Hereditary nonpolyposis colorectal neoplasms. Identifiers: MedGen C0009405, MeSH D003123.
Lynch syndrome. Identifiers: Orphanet 144, MedGen C4552100, MONDO:0005835. Disease mechanism: loss of function.
Lynch syndrome 5 (LYNCH5). Also called: Hereditary non-polyposis colorectal cancer, type 5; Colorectal cancer, hereditary nonpolyposis, type 5. Identifiers: Orphanet 144, MedGen C1833477, MONDO:0013710, OMIM 614350. Disease mechanism: loss of function.

Allele frequency attached by ClinVar (database versions not stated): gnomAD exomes below 0.00001 and 0.00001; gnomAD 0.00003.
gnomAD v4.1: 10 of 1,613,904 alleles (0.00062%); highest among the groups gnomAD compares: Non-Finnish European, 0.00085%; no homozygotes.

Submissions (9):

Labcorp Genetics (formerly Invitae), Labcorp
Classification: Likely benign for Hereditary nonpolyposis colorectal neoplasms. Last evaluated: 2026-01-25. Review status: criteria provided, single submitter. Criteria: Invitae Variant Classification Sherloc (09022015). Collection method: clinical testing. Allele origin: germline.

All of Us Research Program, National Institutes of Health
Classification: Uncertain significance for Lynch syndrome. Last evaluated: 2024-03-14. Review status: criteria provided, single submitter. Criteria: ACMG Guidelines, 2015. Collection method: clinical testing. Allele origin: germline. Inheritance: Autosomal dominant inheritance. Observed: 2 variant alleles, 2 heterozygotes.
Comment: This missense variant replaces leucine with valine at codon 1235 of the MSH6 protein. Computational prediction suggests that this variant may have deleterious impact on protein structure and function (internally defined REVEL score threshold >= 0.7, PMID: 27666373). Splice site prediction tools suggest that this variant may impact RNA splicing. To our knowledge, functional studies have not been reported for this variant. This variant has not been reported in individuals affected with MSH6-related disorders in the literature. This variant has been identified in 4/282610 chromosomes in the general population by the Genome Aggregation Database (gnomAD). The available evidence is insufficient to determine the role of this variant in disease conclusively. Therefore, this variant is classified as a Variant of Uncertain Significance.

This study involves interpretation of variants in research participants for the purpose of population health screening. Participant phenotype was not available at the time of variant classification. Additional details can be found in publication PMID: 35346344, PMCID: PMC8962531

Color Diagnostics, LLC DBA Color Health
Classification: Uncertain significance for Hereditary cancer-predisposing syndrome. Last evaluated: 2024-03-06. Review status: criteria provided, single submitter. Criteria: ACMG Guidelines, 2015. Collection method: clinical testing. Allele origin: germline.
Comment: This missense variant replaces leucine with valine at codon 1235 of the MSH6 protein. Computational prediction suggests that this variant may have deleterious impact on protein structure and function (internally defined REVEL score threshold >= 0.7, PMID: 27666373). Splice site prediction tools suggest that this variant may impact RNA splicing. To our knowledge, functional studies have not been reported for this variant. This variant has not been reported in individuals affected with MSH6-related disorders in the literature. This variant has been identified in 4/282610 chromosomes in the general population by the Genome Aggregation Database (gnomAD). The available evidence is insufficient to determine the role of this variant in disease conclusively. Therefore, this variant is classified as a Variant of Uncertain Significance.

Ambry Genetics
Classification: Uncertain significance for Hereditary cancer-predisposing syndrome. Last evaluated: 2022-10-11. Review status: criteria provided, single submitter. Criteria: Ambry Variant Classification Scheme 2023. Collection method: clinical testing. Allele origin: germline.
Comment: The p.L1235V variant (also known as c.3703C>G), located in coding exon 8 of the MSH6 gene, results from a C to G substitution at nucleotide position 3703. The leucine at codon 1235 is replaced by valine, an amino acid with highly similar properties. This amino acid position is highly conserved in available vertebrate species. In addition, this alteration is predicted to be deleterious by in silico analysis. Since supporting evidence is limited at this time, the clinical significance of this alteration remains unclear.

Department of Pathology and Laboratory Medicine, Sinai Health System
Classification: Uncertain significance for Lynch syndrome 5. Last evaluated: 2019-11-04. Review status: criteria provided, single submitter. Criteria: ACMG Guidelines, 2015. Collection method: clinical testing. Allele origin: germline. Affected: yes.

GeneDx
Classification: Uncertain significance. Last evaluated: 2017-12-08. Review status: criteria provided, single submitter. Criteria: GeneDx Variant Classification (06012015). Collection method: clinical testing. Allele origin: germline. Affected: yes.
Comment: This variant is denoted MSH6 c.3703C>G at the cDNA level, p.Leu1235Val (L1235V) at the protein level, and results in the change of a Leucine to a Valine (CTT>GTT). This variant has not, to our knowledge, been published in the literature as pathogenic or benign. MSH6 Leu1235Val was not observed at a significant allele frequency in large population cohorts (Lek 2016). Since Leucine and Valine share similar properties, this is considered a conservative amino acid substitution. MSH6 Leu1235Val is located in the ATPase domain (Warren 2007, Kansikas 2011). In-silico analyses, including protein predictors and evolutionary conservation, support a deleterious effect. Based on currently available evidence, it is unclear whether MSH6 Leu1235Val is a pathogenic or benign variant. We consider it to be a variant of uncertain significance.

Clinical Genetics, Academic Medical Center
Classification: Uncertain significance. Review status: no assertion criteria provided. Collection method: clinical testing. Allele origin: germline. Affected: yes. Study: VKGL Data-share Consensus. Not counted in ClinVar's aggregate classification.

Diagnostic Laboratory, Department of Genetics, University Medical Center Groningen
Classification: Uncertain significance. Review status: no assertion criteria provided. Collection method: clinical testing. Allele origin: germline. Affected: yes. Study: VKGL Data-share Consensus. Not counted in ClinVar's aggregate classification.

Joint Genome Diagnostic Labs from Nijmegen and Maastricht, Radboudumc and MUMC+
Classification: Uncertain significance. Review status: no assertion criteria provided. Collection method: clinical testing. Allele origin: germline. Affected: yes. Study: VKGL Data-share Consensus. Not counted in ClinVar's aggregate classification.

NM_000179.3(MSH6):c.3703C>G (p.Leu1235Val)

Gene: MSH6 (mutS homolog 6; plus strand). Cytogenetic location: 2p16.3.
Variant type: single nucleotide variant.
Coding change: c.3703C>G on transcript NM_000179.3 (MANE Select); coding-DNA position 3703, C replaced by G.
Protein change: p.Leu1235Val; replaces leucine 1235 with valine.
Molecular consequence: missense variant.
Genome position (GRCh38, 1-based): chr2:47,806,260, C>G. VCF-style: chr2-47806260-C-G. GRCh37 (hg19) VCF-style: chr2-48033399-C-G.
Other names: c.3313C>G, p.Leu1105Val (NM_001281492.2); c.2797C>G, p.Leu933Val (NM_001281493.2, NM_001281494.2); short protein forms L1235V, L1105V, L933V.
Identifiers: ClinVar variation 234558 (VCV000234558.28), dbSNP rs876661084, ClinGen allele CA10577292.